The following is an entry in ClinVar:

NM_152594.3(SPRED1):c.376+3A>G

Gene: SPRED1 (sprouty related EVH1 domain containing 1; plus strand). Cytogenetic location: 15q14.
Variant type: single nucleotide variant.
Coding change: c.376+3A>G on transcript NM_152594.3 (MANE Select); 3 bases into the intron after coding-DNA position 376, A replaced by G.
Molecular consequence: intron variant.
Genome position (GRCh38, 1-based): chr15:38,322,412, A>G. VCF-style: chr15-38322412-A-G. GRCh37 (hg19) VCF-style: chr15-38614613-A-G.
Identifiers: ClinVar variation 1943707 (VCV001943707.5), dbSNP rs775985211, ClinGen allele CA2580089306.
Genomic context (GRCh38, chr15:38,322,412, plus strand): 5'-GCTGATGCTAGGGCTTTTGATAGAGGTATCCGAAGAGCTATAGAGGATATTTCTCAAGGT[A>G]GGTATTCTTGACTATTTTCTTAATTTATTTATCGGTTATATATAGTAGAGGTTATCTTTC-3'

ClinVar aggregate classification (germline): Uncertain significance (1 of 4 stars; one submission).

Conditions:
Legius syndrome. Identifiers: Orphanet 137605, MedGen C1969623, MONDO:0012669, OMIM 611431. Disease mechanism: loss of function.

Submission:

Labcorp Genetics (formerly Invitae), Labcorp
Classification: Uncertain significance for Legius syndrome. Last evaluated: 2022-01-10. Review status: criteria provided, single submitter. Criteria: Invitae Variant Classification Sherloc (09022015). Collection method: clinical testing. Allele origin: germline.
Comment: In summary, the available evidence is currently insufficient to determine the role of this variant in disease. Therefore, it has been classified as a Variant of Uncertain Significance. Variants that disrupt the consensus splice site are a relatively common cause of aberrant splicing (PMID: 17576681, 9536098). Algorithms developed to predict the effect of sequence changes on RNA splicing suggest that this variant may disrupt the consensus splice site. This variant has not been reported in the literature in individuals affected with SPRED1-related conditions. This variant is not present in population databases (gnomAD no frequency). This sequence change falls in intron 3 of the SPRED1 gene. It does not directly change the encoded amino acid sequence of the SPRED1 protein. It affects a nucleotide within the consensus splice site.

Literature cited by the submitters: PubMed 17576681; PubMed 9536098.